The following is an entry in ClinVar:

ClinVar aggregate classification (germline): Uncertain significance (1 of 4 stars; one submission).

Allele frequency attached by ClinVar (database versions not stated): gnomAD exomes below 0.00001.
gnomAD v4.1: 3 of 1,614,064 alleles (0.00019%); highest among the groups gnomAD compares: Admixed American, 0.0033%; no homozygotes.

Submission:

Labcorp Genetics (formerly Invitae), Labcorp
Classification: Uncertain significance. Last evaluated: 2022-06-15. Review status: criteria provided, single submitter. Criteria: Invitae Variant Classification Sherloc (09022015). Collection method: clinical testing. Allele origin: germline.
Comment: This sequence change replaces glycine, which is neutral and non-polar, with arginine, which is basic and polar, at codon 46 of the NDUFA10 protein (p.Gly46Arg). This variant is not present in population databases (gnomAD no frequency). In summary, the available evidence is currently insufficient to determine the role of this variant in disease. Therefore, it has been classified as a Variant of Uncertain Significance. Algorithms developed to predict the effect of missense changes on protein structure and function are either unavailable or do not agree on the potential impact of this missense change (SIFT: "Tolerated"; PolyPhen-2: "Probably Damaging"; Align-GVGD: "Class C0"). This variant has not been reported in the literature in individuals affected with NDUFA10-related conditions.

NM_004544.4(NDUFA10):c.136G>A (p.Gly46Arg)

Gene: NDUFA10 (NADH:ubiquinone oxidoreductase subunit A10; minus strand). Cytogenetic location: 2q37.3.
Variant type: single nucleotide variant.
Coding change: c.136G>A on transcript NM_004544.4 (MANE Select); coding-DNA position 136, G replaced by A.
Protein change: p.Gly46Arg; replaces glycine 46 with arginine.
Molecular consequence: missense variant. On other transcripts: non-coding transcript variant (3).
Genome position (GRCh38, 1-based): chr2:240,022,280, C>T on the plus strand (G>A on the coding strand, the complement: NDUFA10 is on the minus strand). VCF-style: chr2-240022280-C-T. GRCh37 (hg19) VCF-style: chr2-240961697-C-T.
Other names: c.136G>A, p.Gly46Arg (NM_001322019.2, NM_001322020.2, NM_001410987.1); short protein forms G46R.
Identifiers: ClinVar variation 2006833 (VCV002006833.2), dbSNP rs2106504457, ClinGen allele CA351274800.
Genomic context (GRCh38, chr2:240,022,280, plus strand): 5'-TATTGCCATCTACAGTTATCACTCTGCTGCGTTCTGTCAGTCTTTTGCTTGCTTTATCCC[C>T]AAGTAGGAAATGCCACATTCCATAGCGCAGTTTGCACTGCACACTGCTATGAATTCCTCT-3'
Protein context (NP_004535.1, residues 36-56): LRYGMWHFLL[Gly46Arg]DKASKRLTER